The following is an entry in ClinVar:

NM_000038.6(APC):c.3161A>C (p.His1054Pro)

Gene: APC (APC regulator of Wnt signaling pathway; plus strand). Cytogenetic location: 5q22.2.
Variant type: single nucleotide variant.
Coding change: c.3161A>C on transcript NM_000038.6 (MANE Select); coding-DNA position 3161, A replaced by C.
Protein change: p.His1054Pro; replaces histidine 1054 with proline.
Molecular consequence: missense variant.
Genome position (GRCh38, 1-based): chr5:112,838,755, A>C. VCF-style: chr5-112838755-A-C. GRCh37 (hg19) VCF-style: chr5-112174452-A-C.
Other names: c.3161A>C, p.His1054Pro (NM_001127510.3, NM_001354895.2); c.3107A>C, p.His1036Pro (NM_001127511.3); c.3215A>C, p.His1072Pro (NM_001354896.2); c.3191A>C, p.His1064Pro (NM_001354897.2); c.3086A>C, p.His1029Pro (NM_001354898.2); c.3077A>C, p.His1026Pro (NM_001354899.2); c.3038A>C, p.His1013Pro (NM_001354900.2); c.2984A>C, p.His995Pro (NM_001354901.2); and 5 more; short protein forms H1036P, H1054P, H1064P, H1072P, H1013P, H771P, H928P, H894P.
Identifiers: ClinVar variation 232540 (VCV000232540.33), dbSNP rs777538550, ClinGen allele CA034499.

ClinVar aggregate classification (germline): Conflicting classifications of pathogenicity. Review status: criteria provided, conflicting classifications (1 of 4 stars). 12 submissions from 12 submitters: Uncertain significance (8); Likely benign (3). 1 of the submissions does not count toward it. Last evaluated 2026-06-12.

Conditions:
APC-related disorder. Also called: APC-related condition.
Classic or attenuated familial adenomatous polyposis. Identifiers: MedGen CN372698, MONDO:0021057.
Hereditary cancer-predisposing syndrome. Also called: Neoplastic Syndromes, Hereditary; Tumor predisposition; Hereditary Cancer Syndrome; Hereditary neoplastic syndrome. Identifiers: Orphanet 140162, MedGen C0027672, MeSH D009386, MONDO:0015356.
Familial adenomatous polyposis 1 (FAP1). Also called: FAMILIAL ADENOMATOUS POLYPOSIS 1, ATTENUATED; POLYPOSIS, ADENOMATOUS INTESTINAL. Identifiers: MedGen C2713442, MONDO:0021056, OMIM 175100. Disease mechanism: loss of function.

Allele frequency attached by ClinVar (database versions not stated): TOPMed below 0.00001; gnomAD 0.00001; gnomAD exomes 0.00002; ExAC 0.00003.
gnomAD v4.1: 25 of 1,614,046 alleles (0.0015%); highest among the groups gnomAD compares: South Asian, 0.022%; 1 homozygote.

Submissions (12):

PreventionGenetics, part of Exact Sciences
Classification: Uncertain significance for APC-related condition. Last evaluated: 2026-06-12. Review status: criteria provided, single submitter. Criteria: ACMG Guidelines, 2015. Collection method: clinical testing. Allele origin: germline.
Comment: The APC c.3161A>C variant is predicted to result in the amino acid substitution p.His1054Pro. To our knowledge, this variant has not been reported in the literature. This variant is reported in 0.016% of alleles in individuals of South Asian descent in gnomAD. This variant has conflicting interpretations in ClinVar ranging from uncertain to likely benign (Variation ID: 232540). At this time, the clinical significance of this variant is uncertain due to the absence of conclusive functional and genetic evidence.

Labcorp Genetics (formerly Invitae), Labcorp
Classification: Likely benign for Familial adenomatous polyposis 1. Last evaluated: 2026-01-26. Review status: criteria provided, single submitter. Criteria: Invitae Variant Classification Sherloc (09022015). Collection method: clinical testing. Allele origin: germline.

Center for Genomic Medicine, Rigshospitalet, Copenhagen University Hospital
Classification: Likely benign. Last evaluated: 2025-03-04. Review status: criteria provided, single submitter. Criteria: ACMG Guidelines, 2015. Collection method: clinical testing. Allele origin: germline.

All of Us Research Program, National Institutes of Health
Classification: Uncertain significance for Classic or attenuated familial adenomatous polyposis. Last evaluated: 2024-08-30. Review status: criteria provided, single submitter. Criteria: ACMG Guidelines, 2015. Collection method: clinical testing. Allele origin: germline. Inheritance: Autosomal dominant inheritance. Observed: 3 variant alleles, 3 heterozygotes.
Comment: This missense variant replaces histidine with proline at codon 1054 of the APC protein. Computational prediction is inconclusive regarding the impact of this variant on protein structure and function (internally defined REVEL score threshold 0.5 < inconclusive < 0.7, PMID: 27666373). To our knowledge, functional studies have not been reported for this variant. This variant has been reported in an individual suspected of having Lynch syndrome (PMID: 25980754). This variant has been identified in 6/250618 chromosomes in the general population by the Genome Aggregation Database (gnomAD). The available evidence is insufficient to determine the role of this variant in disease conclusively. Therefore, this variant is classified as a Variant of Uncertain Significance.

This study involves interpretation of variants in research participants for the purpose of population health screening. Participant phenotype was not available at the time of variant classification. Additional details can be found in publication PMID: 35346344, PMCID: PMC8962531

Color Diagnostics, LLC DBA Color Health
Classification: Uncertain significance for Hereditary cancer-predisposing syndrome. Last evaluated: 2024-02-12. Review status: criteria provided, single submitter. Criteria: ACMG Guidelines, 2015. Collection method: clinical testing. Allele origin: germline.
Comment: This missense variant replaces histidine with proline at codon 1054 of the APC protein. Computational prediction is inconclusive regarding the impact of this variant on protein structure and function (internally defined REVEL score threshold 0.5 < inconclusive < 0.7, PMID: 27666373). To our knowledge, functional studies have not been reported for this variant. This variant has been reported in an individual suspected of having Lynch syndrome (PMID: 25980754). This variant has been identified in 6/250618 chromosomes in the general population by the Genome Aggregation Database (gnomAD). The available evidence is insufficient to determine the role of this variant in disease conclusively. Therefore, this variant is classified as a Variant of Uncertain Significance.

Quest Diagnostics Nichols Institute San Juan Capistrano
Classification: Uncertain significance. Last evaluated: 2024-01-02. Review status: criteria provided, single submitter. Criteria: Quest Diagnostics criteria. Collection method: clinical testing. Allele origin: unknown.
Comment: The APC c.3161A>C (p.His1054Pro) variant has been reported in the published literature in individuals with a Lynch Syndrome associated cancer and/or polyps (PMIDs: 31422818 (2019), 25980754 (2015)). The frequency of this variant in the general population, 0.00016 (5/30608 chromosomes in South Asian subpopulation (Genome Aggregation Database)), is higher than would generally be expected for pathogenic variants in this gene. Analysis of this variant using bioinformatics tools for the prediction of the effect of amino acid changes on protein structure and function yielded conflicting predictions that this variant is benign or damaging. Based on the available information, we are unable to determine the clinical significance of this variant.

Women's Health and Genetics/Laboratory Corporation of America, LabCorp
Classification: Uncertain significance. Last evaluated: 2023-07-21. Review status: criteria provided, single submitter. Criteria: LabCorp Variant Classification Summary - May 2015. Collection method: clinical testing. Allele origin: germline.
Comment: Variant summary: APC c.3161A>C (p.His1054Pro) results in a non-conservative amino acid change in the encoded protein sequence. Four of five in-silico tools predict a damaging effect of the variant on protein function. The variant allele was found at a frequency of 2.4e-05 in 250618 control chromosomes in the gnomAD database, including 1 homozygote. The available data on variant occurrences in the general population are insufficient to allow any conclusion about variant significance. c.3161A>C has been reported in the literature as a VUS in an individual undergoing multigene panel testing for Lynch syndrome who had a history of Lynch syndrome-associated cancer and/or polyps (Yurgelun_2015). This report does not provide unequivocal conclusions about association of the variant with Familial Adenomatous Polyposis or colorectal cancer risk. To our knowledge, no experimental evidence demonstrating an impact on protein function has been reported. The following publications have been ascertained in the context of this evaluation (PMID: 31422818, 25980754). Six submitters have cited clinical-significance assessments for this variant to ClinVar after 2014 and classified the variant as either VUS (n=4) or likely benign (n=2). Based on the evidence outlined above, the variant was classified as uncertain significance.

Myriad Genetics, Inc.
Classification: Uncertain significance for Familial adenomatous polyposis 1. Last evaluated: 2023-02-15. Review status: criteria provided, single submitter. Criteria: Myriad Autosomal Dominant, Autosomal Recessive and X-Linked Classification Criteria (2023). Collection method: clinical testing. Allele origin: unknown.
Comment: This variant is classified as a variant of uncertain significance as there is insufficient evidence to determine its impact on protein function and/or cancer risk.

Ambry Genetics
Classification: Likely benign for Hereditary cancer-predisposing syndrome. Last evaluated: 2022-09-02. Review status: criteria provided, single submitter. Criteria: Ambry Variant Classification Scheme 2023. Collection method: clinical testing. Allele origin: germline.

GeneDx
Classification: Uncertain significance. Last evaluated: 2019-01-15. Review status: criteria provided, single submitter. Criteria: GeneDx Variant Classification (06012015). Collection method: clinical testing. Allele origin: germline. Affected: yes.
Comment: This variant is denoted APC c.3161A>C at the cDNA level, p.His1054Pro (H1054P) at the protein level, and results in the change of a Histidine to a Proline (CAC>CCC). This variant was observed in an individual undergoing multigene panel testing for a history of Lynch syndrome associated cancer and/or polyps (Yurgelun 2015). APC His1054Pro was observed at an allele frequency of 0.01% (5/30774) in individuals of South Asian ancestry in large population cohorts (Lek 2016). Since Histidine and Proline differ in polarity, charge, size or other properties, this is considered a non-conservative amino acid substitution. APC His1054Pro is located in the 15-amino acid repeat beta-catenin binding domain (Azzopardi 2008). In silico analysis, which includes protein predictors and evolutionary conservation, supports that this variant does not alter protein structure/function. Based on currently available evidence, it is unclear whether APC His1054Pro is a pathogenic or benign variant. We consider it to be a variant of uncertain significance.

Laboratory for Molecular Medicine, Mass General Brigham Personalized Medicine
Classification: Uncertain significance. Last evaluated: 2017-02-21. Review status: criteria provided, single submitter. Criteria: LMM Criteria. Collection method: clinical testing. Allele origin: germline. Observed: 1 variant allele.
Comment: The p.His1054Pro variant in APC has been reported in one individual with a histo ry of Lynch syndrome-associated cancer and/or polyps who underwent genetic testi ng for Lynch syndrome (Yurgelun 2015) and has also been reported in ClinVar (Va riation ID 232540). In addition, this variant has also been identified in 3/164 56 of South Asian chromosomes by the Exome Aggregation Consortium (ExAC; dbSNP rs777538550). Computational prediction tools and conservation analysis suggest that the p.His1054Pro variant may impact the prote in, though this information is not predictive enough to determine pathogenicity. In summary, the clinical significance of the p.His1054Pro variant is uncertain.

Counsyl
Classification: Uncertain significance for Familial adenomatous polyposis 1. Last evaluated: 2016-08-22. Review status: no assertion criteria provided. Collection method: clinical testing. Allele origin: unknown. Not counted in ClinVar's aggregate classification.

Literature cited by the submitters: PubMed 25980754 (cited by 7 submitters); PubMed 31422818 (cited by Quest Diagnostics Nichols Institute San Juan Capistrano and Women's Health and Genetics/Laboratory Corporation of America, LabCorp).